The following is an entry in ClinVar:

NM_183050.4(BCKDHB):c.434C>T (p.Ala145Val)

Gene: BCKDHB (branched chain keto acid dehydrogenase E1 subunit beta; plus strand). Cytogenetic location: 6q14.1.
Variant type: single nucleotide variant.
Coding change: c.434C>T on transcript NM_183050.4 (MANE Select); coding-DNA position 434, C replaced by T.
Protein change: p.Ala145Val; replaces alanine 145 with valine.
Molecular consequence: missense variant. On other transcripts: non-coding transcript variant (1).
Genome position (GRCh38, 1-based): chr6:80,167,768, C>T. VCF-style: chr6-80167768-C-T. GRCh37 (hg19) VCF-style: chr6-80877485-C-T.
Other names: c.434C>T (NM_183050.2); c.434C>T, p.Ala145Val (NM_000056.5); c.224C>T, p.Ala75Val (NM_001318975.1); short protein forms A145V, A75V.
Identifiers: ClinVar variation 992184 (VCV000992184.6), dbSNP rs574122134, ClinGen allele CA3902607.

ClinVar aggregate classification (germline): Uncertain significance. Review status: criteria provided, multiple submitters, no conflicts (2 of 4 stars). 3 submissions from 3 submitters: Uncertain significance (2). 1 of the submissions does not count toward it. Last evaluated 2025-01-23.

Conditions:
Inborn genetic diseases. Identifiers: MedGen C0950123, MeSH D030342.
Maple syrup urine disease type 1B (MSUD1B). Also called: MSUD type IB; MSUD type 3 (formerly); MSUD due to deficiency of e1-beta subunit of branched-chain alpha-keto acid dehydrogenase complex. Identifiers: MedGen C2930990, MONDO:0023692, OMIM 620698.
Maple syrup urine disease (MSUD). Identifiers: Orphanet 511, MedGen C0024776, MeSH D008375, MONDO:0009563. Disease mechanism: loss of function.

Allele frequency attached by ClinVar (database versions not stated): ExAC 0.00003; gnomAD 0.00003 and 0.00004; gnomAD exomes 0.00004; TOPMed 0.00004.
gnomAD v4.1: 40 of 1,613,686 alleles (0.0025%); highest among the groups gnomAD compares: South Asian, 0.0077%; no homozygotes.

Submissions (3):

Labcorp Genetics (formerly Invitae), Labcorp
Classification: Uncertain significance for Maple syrup urine disease. Last evaluated: 2025-01-23. Review status: criteria provided, single submitter. Criteria: Invitae Variant Classification Sherloc (09022015). Collection method: clinical testing. Allele origin: germline.
Comment: This sequence change replaces alanine, which is neutral and non-polar, with valine, which is neutral and non-polar, at codon 145 of the BCKDHB protein (p.Ala145Val). This variant is present in population databases (rs574122134, gnomAD 0.01%). This variant has not been reported in the literature in individuals affected with BCKDHB-related conditions. ClinVar contains an entry for this variant (Variation ID: 992184). Invitae Evidence Modeling of protein sequence and biophysical properties (such as structural, functional, and spatial information, amino acid conservation, physicochemical variation, residue mobility, and thermodynamic stability) indicates that this missense variant is not expected to disrupt BCKDHB protein function with a negative predictive value of 80%. In summary, the available evidence is currently insufficient to determine the role of this variant in disease. Therefore, it has been classified as a Variant of Uncertain Significance.

Ambry Genetics
Classification: Uncertain significance for Inborn genetic diseases. Last evaluated: 2022-09-27. Review status: criteria provided, single submitter. Criteria: Ambry Variant Classification Scheme 2023. Collection method: clinical testing. Allele origin: germline.

Natera, Inc.
Classification: Uncertain significance for Maple syrup urine disease type 1B. Last evaluated: 2020-06-01. Review status: no assertion criteria provided. Collection method: clinical testing. Allele origin: germline. Not counted in ClinVar's aggregate classification.